The following is an entry in ClinVar:

NM_017763.6(RNF43):c.2212C>A (p.His738Asn)

Gene: RNF43 (ring finger protein 43; minus strand). Cytogenetic location: 17q22.
Variant type: single nucleotide variant.
Coding change: c.2212C>A on transcript NM_017763.6 (MANE Select); coding-DNA position 2212, C replaced by A.
Protein change: p.His738Asn; replaces histidine 738 with asparagine.
Molecular consequence: missense variant.
Genome position (GRCh38, 1-based): chr17:58,357,564, G>T on the plus strand (C>A on the coding strand, the complement: RNF43 is on the minus strand). VCF-style: chr17-58357564-G-T. GRCh37 (hg19) VCF-style: chr17-56434925-G-T.
Other names: c.2212C>A, p.His738Asn (NM_001305544.3, NM_001438820.1, NM_001438821.1 and 1 more transcripts); c.1831C>A, p.His611Asn (NM_001305545.2, NM_001437987.1); short protein forms H611N, H738N.
Identifiers: ClinVar variation 5028319 (VCV005028319.1).

ClinVar aggregate classification (germline): Uncertain significance (1 of 4 stars; one submission).

Submission:

Ambry Genetics
Classification: Uncertain significance. Last evaluated: 2026-06-20. Review status: criteria provided, single submitter. Criteria: Ambry Variant Classification Scheme 2023. Collection method: clinical testing. Allele origin: germline.
Comment: The p.H738N variant (also known as c.2212C>A), located in coding exon 8 of the RNF43 gene, results from a C to A substitution at nucleotide position 2212. The histidine at codon 738 is replaced by asparagine, an amino acid with similar properties. This amino acid position is conserved. In addition, this alteration is predicted to be tolerated by in silico analysis. Based on the available evidence, the clinical significance of this variant remains unclear.